The following is an entry in ClinVar:

NM_144499.3(GNAT1):c.508G>A (p.Val170Met)

Gene: GNAT1 (G protein subunit alpha transducin 1; plus strand). Cytogenetic location: 3p21.31.
Variant type: single nucleotide variant.
Coding change: c.508G>A on transcript NM_144499.3 (MANE Select); coding-DNA position 508, G replaced by A.
Protein change: p.Val170Met; replaces valine 170 with methionine.
Molecular consequence: missense variant.
Genome position (GRCh38, 1-based): chr3:50,193,811, G>A. VCF-style: chr3-50193811-G-A. GRCh37 (hg19) VCF-style: chr3-50231244-G-A.
Other names: c.508G>A, p.Val170Met (NM_000172.4); short protein forms V170M.
Identifiers: ClinVar variation 1351952 (VCV001351952.8), dbSNP rs149647295, ClinGen allele CA2412622.

ClinVar aggregate classification (germline): Uncertain significance (1 of 4 stars; one submission).

Allele frequency attached by ClinVar (database versions not stated): gnomAD 0.00003 and 0.00007; ExAC 0.00011; gnomAD exomes 0.00012; 1000 Genomes Project 30x 0.00109; 1000 Genomes Project 0.00120.

Submission:

Labcorp Genetics (formerly Invitae), Labcorp
Classification: Uncertain significance. Last evaluated: 2026-01-21. Review status: criteria provided, single submitter. Criteria: Invitae Variant Classification Sherloc (09022015). Collection method: clinical testing. Allele origin: germline.
Comment: This sequence change replaces valine, which is neutral and non-polar, with methionine, which is neutral and non-polar, at codon 170 of the GNAT1 protein (p.Val170Met). This variant is present in population databases (rs149647295, gnomAD 0.1%). This variant has not been reported in the literature in individuals affected with GNAT1-related conditions. ClinVar contains an entry for this variant (Variation ID: 1351952). Invitae Evidence Modeling of protein sequence and biophysical properties (such as structural, functional, and spatial information, amino acid conservation, physicochemical variation, residue mobility, and thermodynamic stability) indicates that this missense variant is not expected to disrupt GNAT1 protein function with a negative predictive value of 80%. In summary, the available evidence is currently insufficient to determine the role of this variant in disease. Therefore, it has been classified as a Variant of Uncertain Significance.